The following is an entry in ClinVar:

ClinVar aggregate classification (germline): Likely pathogenic (1 of 4 stars; one submission).

Conditions:
Cohen syndrome (COH1). Also called: PEPPER SYNDROME; Cutis verticis gyrata, retinitis pigmentosa, and sensorineural deafness. Identifiers: Orphanet 193, MedGen C0265223, MONDO:0008999, OMIM 216550.

Allele frequency attached by ClinVar (database versions not stated): gnomAD exomes below 0.00001.
gnomAD v4.1: 1 of 1,611,394 alleles (0.000062%); highest among the groups gnomAD compares: Non-Finnish European, 0.000085%; no homozygotes.

Submission:

Labcorp Genetics (formerly Invitae), Labcorp
Classification: Likely pathogenic for Cohen syndrome. Last evaluated: 2022-12-05. Review status: criteria provided, single submitter. Criteria: Invitae Variant Classification Sherloc (09022015). Collection method: clinical testing. Allele origin: germline.
Comment: This sequence change affects a donor splice site in intron 7 of the VPS13B gene. It is expected to disrupt RNA splicing. Variants that disrupt the donor or acceptor splice site typically lead to a loss of protein function (PMID: 16199547), and loss-of-function variants in VPS13B are known to be pathogenic (PMID: 15141358, 16648375, 20461111). This variant is not present in population databases (gnomAD no frequency). In summary, the currently available evidence indicates that the variant is pathogenic, but additional data are needed to prove that conclusively. Therefore, this variant has been classified as Likely Pathogenic. Algorithms developed to predict the effect of sequence changes on RNA splicing suggest that this variant may disrupt the consensus splice site. This variant has not been reported in the literature in individuals affected with VPS13B-related conditions.

Literature cited by the submitters: PubMed 16199547; PubMed 15141358; PubMed 16648375; PubMed 20461111.

NM_152564.5(VPS13B):c.937+1G>A

Gene: VPS13B (vacuolar protein sorting 13 homolog B; plus strand). Cytogenetic location: 8q22.2.
Variant type: single nucleotide variant.
Coding change: c.937+1G>A on transcript NM_152564.5 (MANE Select); the canonical splice donor site of the intron after coding-DNA position 937, G replaced by A.
Molecular consequence: splice donor variant.
Genome position (GRCh38, 1-based): chr8:99,115,875, G>A. VCF-style: chr8-99115875-G-A. GRCh37 (hg19) VCF-style: chr8-100128103-G-A.
Other names: c.937+1G>A (NM_017890.5, NM_015243.3, NM_181661.3).
Identifiers: ClinVar variation 2818722 (VCV002818722.3), dbSNP rs2488689997, ClinGen allele CA371860740.